The following is an entry in ClinVar:

NM_003002.4(SDHD):c.398C>G (p.Ala133Gly)

Gene: SDHD (succinate dehydrogenase complex subunit D; plus strand). Cytogenetic location: 11q23.1.
Variant type: single nucleotide variant.
Coding change: c.398C>G on transcript NM_003002.4 (MANE Select); coding-DNA position 398, C replaced by G.
Protein change: p.Ala133Gly; replaces alanine 133 with glycine.
Molecular consequence: missense variant. On other transcripts: 3 prime UTR variant (1), non-coding transcript variant (1).
Genome position (GRCh38, 1-based): chr11:112,094,888, C>G. VCF-style: chr11-112094888-C-G. GRCh37 (hg19) VCF-style: chr11-111965612-C-G.
Other names: c.398C>G (NM_003002.2); c.253C>G, p.Leu85Val (NM_001276503.2); c.281C>G, p.Ala94Gly (NM_001276504.2); c.*96C>G (NM_001276506.2); short protein forms A133G, A94G, L85V.
Identifiers: ClinVar variation 2934143 (VCV002934143.3), dbSNP rs755584530, ClinGen allele CA228555691.
Genomic context (GRCh38, chr11:112,094,888, plus strand): 5'-ACTATGTTCATGGGGATGCCTTGCAGAAAGCTGCCAAGGCAGGGCTTTTGGCACTTTCAG[C>G]TTTAACCTTTGCTGGGCTTTGCTATTTCAACTATCACGATGTGGGCATCTGCAAAGCTGT-3'
Protein context (NP_002993.1, residues 123-143): AAKAGLLALS[Ala133Gly]LTFAGLCYFN

ClinVar aggregate classification (germline): Uncertain significance. Review status: criteria provided, multiple submitters, no conflicts (2 of 4 stars). 2 submissions from 2 submitters: Uncertain significance (2). Last evaluated 2025-10-14.

Conditions:
Pheochromocytoma. Also called: MAX-Related Hereditary Paraganglioma-Pheochromocytoma Syndrome. Identifiers: Orphanet 29072, MedGen C0031511, MONDO:0008233, OMIM 171300, HP:0002666.
Paragangliomas with sensorineural hearing loss. Identifiers: MedGen C1868633.
Carney-Stratakis syndrome. Also called: PARAGANGLIOMA AND GASTROINTESTINAL STROMAL TUMOR. Identifiers: Orphanet 97286, MedGen C1847319, MONDO:0011740, OMIM 606864.
Cowden syndrome 3 (CWS3). Identifiers: Orphanet 201, MedGen CN166604, MONDO:0014045.
Hereditary cancer-predisposing syndrome. Also called: Neoplastic Syndromes, Hereditary; Tumor predisposition; Hereditary Cancer Syndrome; Hereditary neoplastic syndrome. Identifiers: Orphanet 140162, MedGen C0027672, MeSH D009386, MONDO:0015356.

Submissions (2):

Ambry Genetics
Classification: Uncertain significance for Hereditary cancer-predisposing syndrome. Last evaluated: 2025-10-14. Review status: criteria provided, single submitter. Criteria: Ambry Variant Classification Scheme 2023. Collection method: clinical testing. Allele origin: germline.
Comment: The p.A133G variant (also known as c.398C>G), located in coding exon 4 of the SDHD gene, results from a C to G substitution at nucleotide position 398. The alanine at codon 133 is replaced by glycine, an amino acid with similar properties. This amino acid position is conserved. In addition, this alteration is predicted to be deleterious by in silico analysis. Since supporting evidence is limited at this time, the clinical significance of this alteration remains unclear.

Labcorp Genetics (formerly Invitae), Labcorp
Classification: Uncertain significance for Carney-Stratakis syndrome; Paragangliomas with sensorineural hearing loss; Pheochromocytoma; Cowden syndrome 3. Last evaluated: 2023-04-09. Review status: criteria provided, single submitter. Criteria: Invitae Variant Classification Sherloc (09022015). Collection method: clinical testing. Allele origin: germline.
Comment: Advanced modeling of protein sequence and biophysical properties (such as structural, functional, and spatial information, amino acid conservation, physicochemical variation, residue mobility, and thermodynamic stability) has been performed at Invitae for this missense variant, however the output from this modeling did not meet the statistical confidence thresholds required to predict the impact of this variant on SDHD protein function. In summary, the available evidence is currently insufficient to determine the role of this variant in disease. Therefore, it has been classified as a Variant of Uncertain Significance. This variant has not been reported in the literature in individuals affected with SDHD-related conditions. This variant is not present in population databases (gnomAD no frequency). This sequence change replaces alanine, which is neutral and non-polar, with glycine, which is neutral and non-polar, at codon 133 of the SDHD protein (p.Ala133Gly).